The following is an entry in ClinVar:

NM_020821.3(VPS13C):c.11057T>C (p.Val3686Ala)

Gene: VPS13C (vacuolar protein sorting 13 homolog C; minus strand). Cytogenetic location: 15q22.2.
Variant type: single nucleotide variant.
Coding change: c.11057T>C on transcript NM_020821.3 (MANE Select); coding-DNA position 11057, T replaced by C.
Protein change: p.Val3686Ala; replaces valine 3686 with alanine.
Molecular consequence: missense variant.
Genome position (GRCh38, 1-based): chr15:61,856,305, A>G on the plus strand (T>C on the coding strand, the complement: VPS13C is on the minus strand). VCF-style: chr15-61856305-A-G. GRCh37 (hg19) VCF-style: chr15-62148504-A-G.
Other names: c.10928T>C, p.Val3643Ala (NM_017684.5); short protein forms V3686A, V3643A.
Identifiers: ClinVar variation 1437354 (VCV001437354.6), dbSNP rs1476755126, ClinGen allele CA392666428.

ClinVar aggregate classification (germline): Uncertain significance (1 of 4 stars; one submission).

Allele frequency attached by ClinVar (database versions not stated): gnomAD 0.00003; TOPMed 0.00003; gnomAD exomes 0.00010.
gnomAD v4.1: 148 of 1,613,124 alleles (0.0092%); highest among the groups gnomAD compares: Non-Finnish European, 0.013%; no homozygotes.

Submission:

Labcorp Genetics (formerly Invitae), Labcorp
Classification: Uncertain significance. Last evaluated: 2021-11-23. Review status: criteria provided, single submitter. Criteria: Invitae Variant Classification Sherloc (09022015). Collection method: clinical testing. Allele origin: germline.
Comment: Algorithms developed to predict the effect of missense changes on protein structure and function (SIFT, PolyPhen-2, Align-GVGD) all suggest that this variant is likely to be tolerated. This variant has not been reported in the literature in individuals affected with VPS13C-related conditions. This variant is not present in population databases (gnomAD no frequency). This sequence change replaces valine, which is neutral and non-polar, with alanine, which is neutral and non-polar, at codon 3686 of the VPS13C protein (p.Val3686Ala). In summary, the available evidence is currently insufficient to determine the role of this variant in disease. Therefore, it has been classified as a Variant of Uncertain Significance.